The following is an entry in ClinVar:

ClinVar aggregate classification (germline): Likely benign. Review status: criteria provided, single submitter (1 of 4 stars). 2 submissions from 2 submitters: Likely benign (1). 1 of the submissions does not count toward it. Last evaluated 2024-02-09.

Conditions:
TRPM3-related disorder. Also called: TRPM3-related condition.

Allele frequency attached by ClinVar (database versions not stated): gnomAD exomes 0.00007; ExAC 0.00008; ESP Exome Variant Server 0.00008; TOPMed 0.00013; gnomAD 0.00018; 1000 Genomes Project 30x 0.00062; 1000 Genomes Project 0.00080.
gnomAD v4.1: 126 of 1,614,130 alleles (0.0078%); highest among the groups gnomAD compares: Middle Eastern, 0.13%; no homozygotes.

Submissions (2):

Blueprint Genetics
Classification: Likely benign. Last evaluated: 2024-02-09. Review status: criteria provided, single submitter. Criteria: ACMG Guidelines, 2015. Collection method: clinical testing. Allele origin: germline.

PreventionGenetics, part of Exact Sciences
Classification: Likely benign for TRPM3-related condition. Last evaluated: 2019-09-18. Review status: no assertion criteria provided. Collection method: clinical testing. Allele origin: germline. Not counted in ClinVar's aggregate classification.
Comment: This variant is classified as likely benign based on ACMG/AMP sequence variant interpretation guidelines (Richards et al. 2015 PMID: 25741868, with internal and published modifications).

NM_001366145.2(TRPM3):c.4296C>T (p.Ser1432=)

Genes: KLF9-DT (KLF9 divergent transcript; plus strand), TRPM3 (transient receptor potential cation channel subfamily M member 3; minus strand). Cytogenetic location: 9q21.12.
Variant type: single nucleotide variant.
Coding change: c.4296C>T on transcript NM_001366145.2 (MANE Select); coding-DNA position 4296, C replaced by T.
Protein change: p.Ser1432=; no amino-acid change (serine 1432 retained).
Molecular consequence: synonymous variant. On other transcripts: intron variant (8).
Genome position (GRCh38, 1-based): chr9:70,536,817, G>A on the plus strand (C>T on the coding strand, the complement: TRPM3 is on the minus strand). VCF-style: chr9-70536817-G-A. GRCh37 (hg19) VCF-style: chr9-73151733-G-A.
Other names: c.4260C>T, p.Ser1420= (NM_001007471.4); c.4266C>T, p.Ser1422= (NM_001366141.2, NM_001366149.2); c.4371C>T, p.Ser1457= (NM_001366147.2); c.3801C>T, p.Ser1267= (NM_020952.6); c.3837C>T, p.Ser1279= (NM_024971.7); c.3771C>T, p.Ser1257= (NM_206944.5); c.3807C>T, p.Ser1269= (NM_206945.5); c.3876C>T, p.Ser1292= (NM_206946.5); and 9 more.
Identifiers: ClinVar variation 3040634 (VCV003040634.3), dbSNP rs138081538, ClinGen allele CA5077841.
Genomic context (GRCh38, chr9:70,536,817, plus strand): 5'-AGGGGCTGTGGAAGGTACTGGAGTTGAAAAGCTTGGCTCGCCCAGCCCAAGGATGTTCAC[G>A]GAATTGTCCAGAGGGTCTATATCACAGTGGAGCTCATCCATAGCAGAGACATAGATGTCT-3'
Protein context (NP_001353074.1, residues 1422-1442): LHCDIDPLDN[Ser1432=]VNILGLGEPS